The following is an entry in ClinVar:

NM_012186.3(FOXE3):c.109C>G (p.Pro37Ala)

Genes: FOXE3 (forkhead box E3; plus strand), LINC01389 (long intergenic non-protein coding RNA 1389; minus strand). Cytogenetic location: 1p33.
Variant type: single nucleotide variant.
Coding change: c.109C>G on transcript NM_012186.3 (MANE Select); coding-DNA position 109, C replaced by G.
Protein change: p.Pro37Ala; replaces proline 37 with alanine.
Molecular consequence: missense variant.
Genome position (GRCh38, 1-based): chr1:47,416,424, C>G. VCF-style: chr1-47416424-C-G. GRCh37 (hg19) VCF-style: chr1-47882096-C-G.
Other names: short protein forms P37A.
Identifiers: ClinVar variation 3032939 (VCV003032939.2), dbSNP rs2521315634, ClinGen allele CA340249053.
Genomic context (GRCh38, chr1:47,416,424, plus strand): 5'-CCTGCCCTGCCAGCGGTCGCGCCGTCGGGGCCGCCGCCGTCGCCGCTCGCAGGAGCCGAG[C>G]CAGGGCGGGAGCCAGAGGAGGCGGCGGCTGGCCGCGGAGAGGCGGCCCCCACGCCCGCGC-3'
Protein context (NP_036318.1, residues 27-47): PPPSPLAGAE[Pro37Ala]GREPEEAAAG

ClinVar aggregate classification (germline): Uncertain significance (0 of 4 stars; one submission).

Conditions:
FOXE3-related disorder. Also called: FOXE3-related condition.

Submission:

PreventionGenetics, part of Exact Sciences
Classification: Uncertain significance for FOXE3-related condition. Last evaluated: 2024-01-10. Review status: no assertion criteria provided. Collection method: clinical testing. Allele origin: germline.
Comment: The FOXE3 c.109C>G variant is predicted to result in the amino acid substitution p.Pro37Ala. To our knowledge, this variant has not been reported in the literature or in a large population database, indicating this variant is rare. At this time, the clinical significance of this variant is uncertain due to the absence of conclusive functional and genetic evidence.